The following is an entry in ClinVar:

ClinVar aggregate classification (germline): Uncertain significance. Review status: criteria provided, multiple submitters, no conflicts (2 of 4 stars). 2 submissions from 2 submitters: Uncertain significance (2). Last evaluated 2023-02-27.

Conditions:
Inborn genetic diseases. Identifiers: MedGen C0950123, MeSH D030342.

Allele frequency attached by ClinVar (database versions not stated): gnomAD exomes 0.00001; ExAC 0.00003; gnomAD 0.00003; TOPMed 0.00005.
gnomAD v4.1: 22 of 1,614,072 alleles (0.0014%); highest among the groups gnomAD compares: Admixed American, 0.023%; no homozygotes.

Submissions (2):

Ambry Genetics
Classification: Uncertain significance for Inborn genetic diseases. Last evaluated: 2023-02-27. Review status: criteria provided, single submitter. Criteria: Ambry Variant Classification Scheme 2023. Collection method: clinical testing. Allele origin: germline.

Labcorp Genetics (formerly Invitae), Labcorp
Classification: Uncertain significance. Last evaluated: 2022-10-17. Review status: criteria provided, single submitter. Criteria: Invitae Variant Classification Sherloc (09022015). Collection method: clinical testing. Allele origin: germline.
Comment: This sequence change replaces serine, which is neutral and polar, with phenylalanine, which is neutral and non-polar, at codon 220 of the PPP1R15B protein (p.Ser220Phe). This variant is present in population databases (rs759633321, gnomAD 0.03%). This variant has not been reported in the literature in individuals affected with PPP1R15B-related conditions. Advanced modeling of protein sequence and biophysical properties (such as structural, functional, and spatial information, amino acid conservation, physicochemical variation, residue mobility, and thermodynamic stability) performed at Invitae indicates that this missense variant is expected to disrupt PPP1R15B protein function. In summary, the available evidence is currently insufficient to determine the role of this variant in disease. Therefore, it has been classified as a Variant of Uncertain Significance.

NM_032833.5(PPP1R15B):c.659C>T (p.Ser220Phe)

Gene: PPP1R15B (protein phosphatase 1 regulatory subunit 15B; minus strand). Cytogenetic location: 1q32.1.
Variant type: single nucleotide variant.
Coding change: c.659C>T on transcript NM_032833.5 (MANE Select); coding-DNA position 659, C replaced by T.
Protein change: p.Ser220Phe; replaces serine 220 with phenylalanine.
Molecular consequence: missense variant.
Genome position (GRCh38, 1-based): chr1:204,410,753, G>A on the plus strand (C>T on the coding strand, the complement: PPP1R15B is on the minus strand). VCF-style: chr1-204410753-G-A. GRCh37 (hg19) VCF-style: chr1-204379881-G-A.
Other names: c.659C>T (NM_032833.3); short protein forms S220F.
Identifiers: ClinVar variation 2167596 (VCV002167596.6), dbSNP rs759633321, ClinGen allele CA1346765.